The following is an entry in ClinVar:

NM_007286.6(SYNPO):c.1392G>A (p.Lys464=)

Gene: SYNPO (synaptopodin; plus strand). Cytogenetic location: 5q33.1.
Variant type: single nucleotide variant.
Coding change: c.1392G>A on transcript NM_007286.6 (MANE Select); coding-DNA position 1392, G replaced by A.
Protein change: p.Lys464=; no amino-acid change (lysine 464 retained).
Molecular consequence: synonymous variant.
Genome position (GRCh38, 1-based): chr5:150,649,667, G>A. VCF-style: chr5-150649667-G-A. GRCh37 (hg19) VCF-style: chr5-150029229-G-A.
Other names: c.1392G>A, p.Lys464= (NM_001109974.3); c.2124G>A, p.Lys708= (NM_001166208.2, NM_001166209.2).
Identifiers: ClinVar variation 2884383 (VCV002884383.16), dbSNP rs200798227, ClinGen allele CA3513413.

ClinVar aggregate classification (germline): Likely benign. Review status: criteria provided, multiple submitters, no conflicts (2 of 4 stars). 2 submissions from 2 submitters: Likely benign (2). Last evaluated 2025-06-03.

Allele frequency attached by ClinVar (database versions not stated): ESP Exome Variant Server 0.00008; TOPMed 0.00014; ExAC 0.00016; gnomAD exomes 0.00016; gnomAD 0.00018.

Submissions (2):

Labcorp Genetics (formerly Invitae), Labcorp
Classification: Likely benign. Last evaluated: 2025-06-03. Review status: criteria provided, single submitter. Criteria: Invitae Variant Classification Sherloc (09022015). Collection method: clinical testing. Allele origin: germline.

CeGaT Center for Human Genetics Tuebingen
Classification: Likely benign. Last evaluated: 2025-01-01. Review status: criteria provided, single submitter. Criteria: CeGaT Center For Human Genetics Tuebingen Variant Classification Criteria Version 2. Collection method: clinical testing. Allele origin: germline. Affected: yes. Observed: 1 variant allele.
Comment: SYNPO: BP4, BP7